The following is an entry in ClinVar:

NC_000005.10:g.(?_112775623)_(112844132_?)del

Gene: APC (APC regulator of Wnt signaling pathway; plus strand). Cytogenetic location: 5q22.2.
Variant type: Deletion.
Identifiers: ClinVar variation 469690 (VCV000469690.6).

ClinVar aggregate classification (germline): Pathogenic. Review status: criteria provided, single submitter (1 of 4 stars). 2 submissions from 1 submitter: Pathogenic (1). 1 of the submissions does not count toward it. Last evaluated 2021-08-12.

Conditions:
Familial adenomatous polyposis 1 (FAP1). Also called: POLYPOSIS, ADENOMATOUS INTESTINAL; FAMILIAL ADENOMATOUS POLYPOSIS 1, ATTENUATED. Identifiers: MedGen C2713442, MONDO:0021056, OMIM 175100. Disease mechanism: loss of function.

Submissions (2):

Labcorp Genetics (formerly Invitae), Labcorp
Classification: Pathogenic for Familial adenomatous polyposis 1. Last evaluated: 2021-08-12. Review status: criteria provided, single submitter. Criteria: Invitae Variant Classification Sherloc (09022015). Collection method: clinical testing. Allele origin: germline.
Comment: This variant is a gross deletion of the genomic region encompassing exon(s) 5-16 of the APC gene, which includes the termination codon. This deletion extends beyond the assayed region for this gene and therefore may encompass additional genes. While this deletion is not anticipated to lead to nonsense mediated decay, it is expected to alter mRNA translation or result in a truncated protein product. A similar copy number variant has been observed in individual(s) with adenomatous polyposis (PMID: 27391059). It has also been observed to segregate with disease in related individuals. This variant disrupts a region of the APC protein in which other variant(s) (p.Tyr2645Lysfs*14) have been determined to be pathogenic (PMID: 1316610, 8381579, 9824584, 22135120, 27081525; Invitae). This suggests that this is a clinically significant region of the protein, and that variants that disrupt it are likely to be disease-causing. For these reasons, this variant has been classified as Pathogenic.

Labcorp Genetics (formerly Invitae), Labcorp
Classification: Pathogenic for Familial adenomatous polyposis 1. Last evaluated: 2018-01-27. Review status: flagged submission. Criteria: Invitae Variant Classification Sherloc (09022015). Collection method: clinical testing. Allele origin: germline. Not counted in ClinVar's aggregate classification.
Comment: This variant is a gross deletion of the genomic region encompassing exons 5-16 of the APC gene. The 5' boundary is likely confined to intron 4. The 3' end of this event is unknown as it extends through the termination codon beyond the assayed region for this gene and may encompass additional genes. While this deletion is not anticipated to result in nonsense mediated decay, it is expected to create a truncated protein product or disrupt mRNA translation. This variant has been reported to segregate with in a family affected with adenomatous polyposis (PMID: 27391059). This variant removes, among others, the Basic Domain, the EB1 Binding Site, and the HDLG Binding Site of the APC protein, which mediate interactions with the cytoskeleton (PMID: 15311282, 17293347). While functional studies have not been performed to directly test the effect of this variant on APC protein function, a different truncating variant, c.7932_7935del (p.Tyr2645Lysfs*14), that only removes the EB1 and HDLG binding sites has been reported in several individuals with familial adenomatous polyposis (FAP) and attenuated FAP (PMID: 1316610, 8381579, 9824584, 22135120). These observations suggest that the C-terminal portion of the protein is clinically important. For these reasons, this variant has been classified as Pathogenic.
ClinVar note: Reason: This record appears to be redundant with a more recent record from the same submitter.
ClinVar note: Notes: SCV000647152 appears to be redundant with SCV002243625.

Literature cited by the submitters: PubMed 27391059; PubMed 1316610; PubMed 8381579; PubMed 9824584; PubMed 22135120; PubMed 27081525; PubMed 17293347; PubMed 15311282.